The following is an entry in ClinVar:

ClinVar aggregate classification (germline): Uncertain significance (1 of 4 stars; one submission).

Conditions:
Mendelian susceptibility to mycobacterial diseases due to complete IL12RB1 deficiency. Also called: IL12RB1 DEFICIENCY; Immunodeficiency 30. Identifiers: Orphanet 319552, MedGen C4013949, MONDO:0013955, OMIM 614891.

Allele frequency attached by ClinVar (database versions not stated): gnomAD exomes below 0.00001.
gnomAD v4.1: 4 of 1,607,314 alleles (0.00025%); highest among the groups gnomAD compares: Non-Finnish European, 0.00034%; no homozygotes.

Submission:

Labcorp Genetics (formerly Invitae), Labcorp
Classification: Uncertain significance for Mendelian susceptibility to mycobacterial diseases due to complete IL12RB1 deficiency. Last evaluated: 2022-06-07. Review status: criteria provided, single submitter. Criteria: Invitae Variant Classification Sherloc (09022015). Collection method: clinical testing. Allele origin: germline.
Comment: In summary, the available evidence is currently insufficient to determine the role of this variant in disease. Therefore, it has been classified as a Variant of Uncertain Significance. Algorithms developed to predict the effect of missense changes on protein structure and function output the following: SIFT: "Deleterious"; PolyPhen-2: "Benign"; Align-GVGD: "Class C35". The leucine amino acid residue is found in multiple mammalian species, which suggests that this missense change does not adversely affect protein function. This sequence change replaces histidine, which is basic and polar, with leucine, which is neutral and non-polar, at codon 451 of the IL12RB1 protein (p.His451Leu). The frequency data for this variant in the population databases is considered unreliable, as metrics indicate poor data quality at this position in the gnomAD database. This variant has not been reported in the literature in individuals affected with IL12RB1-related conditions.

NM_005535.3(IL12RB1):c.1352A>T (p.His451Leu)

Gene: IL12RB1 (interleukin 12 receptor subunit beta 1; minus strand). Cytogenetic location: 19p13.11.
Variant type: single nucleotide variant.
Coding change: c.1352A>T on transcript NM_005535.3 (MANE Select); coding-DNA position 1352, A replaced by T.
Protein change: p.His451Leu; replaces histidine 451 with leucine.
Molecular consequence: missense variant.
Genome position (GRCh38, 1-based): chr19:18,066,673, T>A on the plus strand (A>T on the coding strand, the complement: IL12RB1 is on the minus strand). VCF-style: chr19-18066673-T-A. GRCh37 (hg19) VCF-style: chr19-18177483-T-A.
Other names: c.1352A>T, p.His451Leu (NM_001290023.2); c.1472A>T, p.His491Leu (NM_001290024.2); short protein forms H451L, H491L.
Identifiers: ClinVar variation 2002918 (VCV002002918.4), dbSNP rs1238881857, ClinGen allele CA404776794.